The following is an entry in ClinVar:

NM_001283009.2(RTEL1):c.530A>G (p.Asn177Ser)

Genes: RTEL1 (regulator of telomere elongation helicase 1; plus strand), RTEL1-TNFRSF6B (RTEL1-TNFRSF6B readthrough (NMD candidate); plus strand). Cytogenetic location: 20q13.33.
Variant type: single nucleotide variant.
Coding change: c.530A>G on transcript NM_001283009.2 (MANE Select); coding-DNA position 530, A replaced by G.
Protein change: p.Asn177Ser; replaces asparagine 177 with serine.
Molecular consequence: missense variant. On other transcripts: non-coding transcript variant (1), 5 prime UTR variant (1).
Genome position (GRCh38, 1-based): chr20:63,662,881, A>G. VCF-style: chr20-63662881-A-G. GRCh37 (hg19) VCF-style: chr20-62294234-A-G.
Other names: c.-140A>G (NM_001283010.1); c.530A>G, p.Asn177Ser (NM_016434.4); c.602A>G, p.Asn201Ser (NM_032957.5); short protein forms N177S, N201S.
Identifiers: ClinVar variation 3752027 (VCV003752027.3).

ClinVar aggregate classification (germline): Uncertain significance. Review status: criteria provided, multiple submitters, no conflicts (2 of 4 stars). 2 submissions from 2 submitters: Uncertain significance (2). Last evaluated 2026-07-01.

Conditions:
Inborn genetic diseases. Identifiers: MedGen C0950123, MeSH D030342.
Dyskeratosis congenita, autosomal recessive 5 (DKCB5). Identifiers: MedGen C3554656, MONDO:0014076, OMIM 615190.
Pulmonary fibrosis and/or bone marrow failure, Telomere-related, 3. Also called: PULMONARY FIBROSIS AND/OR BONE MARROW FAILURE SYNDROME, TELOMERE-RELATED, 3. Identifiers: Orphanet 2032, MedGen C4225346, MONDO:0014613, OMIM 616373.

Submissions (2):

Ambry Genetics
Classification: Uncertain significance for Inborn genetic diseases. Last evaluated: 2026-07-01. Review status: criteria provided, single submitter. Criteria: Ambry Variant Classification Scheme 2023. Collection method: clinical testing. Allele origin: germline.
Comment: The p.N177S variant (also known as c.530A>G), located in coding exon 5 of the RTEL1 gene, results from an A to G substitution at nucleotide position 530. The asparagine at codon 177 is replaced by serine, an amino acid with highly similar properties. This amino acid position is conserved. In addition, this alteration is predicted to be tolerated by in silico analysis. Based on the available evidence, the clinical significance of this variant remains unclear.

Labcorp Genetics (formerly Invitae), Labcorp
Classification: Uncertain significance for Dyskeratosis congenita, autosomal recessive 5; Pulmonary fibrosis and/or bone marrow failure, Telomere-related, 3. Last evaluated: 2024-07-06. Review status: criteria provided, single submitter. Criteria: Invitae Variant Classification Sherloc (09022015). Collection method: clinical testing. Allele origin: germline.
Comment: This sequence change replaces asparagine, which is neutral and polar, with serine, which is neutral and polar, at codon 177 of the RTEL1 protein (p.Asn177Ser). This variant is not present in population databases (gnomAD no frequency). This variant has not been reported in the literature in individuals affected with RTEL1-related conditions. An algorithm developed to predict the effect of missense changes on protein structure and function (PolyPhen-2) suggests that this variant is likely to be tolerated. In summary, the available evidence is currently insufficient to determine the role of this variant in disease. Therefore, it has been classified as a Variant of Uncertain Significance.